The following is an entry in ClinVar:

ClinVar aggregate classification (germline): Uncertain significance (1 of 4 stars; one submission).

Conditions:
Fanconi anemia complementation group E (FANCE). Also called: FANCE-Related Fanconi Anemia. Identifiers: Orphanet 84, MedGen C3160739, MONDO:0010953, OMIM 600901.

Submission:

Labcorp Genetics (formerly Invitae), Labcorp
Classification: Uncertain significance for Fanconi anemia complementation group E. Last evaluated: 2020-10-19. Review status: criteria provided, single submitter. Criteria: Invitae Variant Classification Sherloc (09022015). Collection method: clinical testing. Allele origin: germline.
Comment: This sequence change replaces leucine with proline at codon 67 of the FANCE protein (p.Leu67Pro). The leucine residue is moderately conserved and there is a moderate physicochemical difference between leucine and proline. The frequency data for this variant in the population databases is considered unreliable, as metrics indicate insufficient coverage at this position in the ExAC database. This variant has not been reported in the literature in individuals with FANCE-related conditions. Algorithms developed to predict the effect of missense changes on protein structure and function are either unavailable or do not agree on the potential impact of this missense change (SIFT: "Deleterious"; PolyPhen-2: "Probably Damaging"; Align-GVGD: "Class C0"). In summary, the available evidence is currently insufficient to determine the role of this variant in disease. Therefore, it has been classified as a Variant of Uncertain Significance.

NM_021922.3(FANCE):c.200T>C (p.Leu67Pro)

Genes: FANCE (FA complementation group E; plus strand), LOC129996245 (ATAC-STARR-seq lymphoblastoid silent region 17092; plus strand). Cytogenetic location: 6p21.31.
Variant type: single nucleotide variant.
Coding change: c.200T>C on transcript NM_021922.3 (MANE Select); coding-DNA position 200, T replaced by C.
Protein change: p.Leu67Pro; replaces leucine 67 with proline.
Molecular consequence: missense variant.
Genome position (GRCh38, 1-based): chr6:35,452,745, T>C. VCF-style: chr6-35452745-T-C. GRCh37 (hg19) VCF-style: chr6-35420522-T-C.
Other names: short protein forms L67P.
Identifiers: ClinVar variation 1005762 (VCV001005762.9), dbSNP rs1767159493, ClinGen allele CA363770686.